The following is an entry in ClinVar:

NM_003001.5(SDHC):c.429G>C (p.Leu143=)

Gene: SDHC (succinate dehydrogenase complex subunit C; plus strand). Cytogenetic location: 1q23.3.
Variant type: single nucleotide variant.
Coding change: c.429G>C on transcript NM_003001.5 (MANE Select); coding-DNA position 429, G replaced by C.
Protein change: p.Leu143=; no amino-acid change (leucine 143 retained).
Molecular consequence: synonymous variant. On other transcripts: missense variant (3), non-coding transcript variant (1).
Genome position (GRCh38, 1-based): chr1:161,362,352, G>C. VCF-style: chr1-161362352-G-C. GRCh37 (hg19) VCF-style: chr1-161332142-G-C.
Other names: c.265G>C, p.Glu89Gln (NM_001035511.3); c.327G>C, p.Leu109= (NM_001035512.3); c.270G>C, p.Leu90= (NM_001035513.3); c.163G>C, p.Glu55Gln (NM_001278172.3); c.549G>C, p.Leu183= (NM_001407115.1); c.372G>C, p.Leu124= (NM_001407116.1); c.366G>C, p.Leu122= (NM_001407117.1); c.321G>C, p.Leu107= (NM_001407118.1); and 2 more; short protein forms E55Q, E70Q, E89Q.
Identifiers: ClinVar variation 3904584 (VCV003904584.1).

ClinVar aggregate classification (germline): Benign (1 of 4 stars; one submission).

Conditions:
Pheochromocytoma/paraganglioma syndrome 3. Also called: GLOMUS TUMORS, FAMILIAL, 3; Paragangliomas 3; SDHC-Related Hereditary Paraganglioma-Pheochromocytoma Syndrome (Paragangliomas 3); SDHC-Related Hereditary Paraganglioma-Pheochromocytoma Syndrome. Identifiers: Orphanet 29072, MedGen C1854336, MONDO:0011544, OMIM 605373.

Submission:

Myriad Genetics, Inc.
Classification: Benign for Pheochromocytoma/paraganglioma syndrome 3. Last evaluated: 2025-03-17. Review status: criteria provided, single submitter. Criteria: Myriad Autosomal Dominant, Autosomal Recessive and X-Linked Classification Criteria (2023). Collection method: clinical testing. Allele origin: unknown.
Comment: This variant is considered benign. This variant is a silent/synonymous amino acid change and it is not expected to impact splicing.